The following is an entry in ClinVar:

NM_014727.3(KMT2B):c.2162C>T (p.Pro721Leu)

Gene: KMT2B (lysine methyltransferase 2B; plus strand). Cytogenetic location: 19q13.12.
Variant type: single nucleotide variant.
Coding change: c.2162C>T on transcript NM_014727.3 (MANE Select); coding-DNA position 2162, C replaced by T.
Protein change: p.Pro721Leu; replaces proline 721 with leucine.
Molecular consequence: missense variant.
Genome position (GRCh38, 1-based): chr19:35,721,509, C>T. VCF-style: chr19-35721509-C-T. GRCh37 (hg19) VCF-style: chr19-36212411-C-T.
Other names: short protein forms P721L.
Identifiers: ClinVar variation 3766205 (VCV003766205.2).
Genomic context (GRCh38, chr19:35,721,509, plus strand): 5'-ACCTCAGCCTGCCTCGATTCGCCCCTGTGGTCACCACTCCTGTTAAGGCCGAGGTGTCCC[C>T]TCACGGGGCTCCAGCTCTGAGCAACGGGCCACAGACACAGGCTCAGCTACTGCAGCCCCT-3'
Protein context (NP_055542.1, residues 711-731): VTTPVKAEVS[Pro721Leu]HGAPALSNGP

ClinVar aggregate classification (germline): Uncertain significance (1 of 4 stars; one submission).

Submission:

GeneDx
Classification: Uncertain significance. Last evaluated: 2025-07-24. Review status: criteria provided, single submitter. Criteria: GeneDx Variant Classification Process June 2021. Collection method: clinical testing. Allele origin: germline.
Comment: Not observed at significant frequency in large population cohorts (gnomAD); In silico analysis supports that this missense variant has a deleterious effect on protein structure/function; Has not been previously published as pathogenic or benign to our knowledge